The following is an entry in ClinVar:

ClinVar aggregate classification (germline): Uncertain significance. Review status: criteria provided, multiple submitters, no conflicts (2 of 4 stars). 2 submissions from 2 submitters: Uncertain significance (2). Last evaluated 2024-03-01.

Conditions:
ARHGEF28-related disorder. Also called: ARHGEF28-related condition.

Allele frequency attached by ClinVar (database versions not stated): gnomAD exomes 0.00004; ExAC 0.00008; gnomAD 0.00015; 1000 Genomes Project 30x 0.00016; ESP Exome Variant Server 0.00017; TOPMed 0.00017.
gnomAD v4.1: 80 of 1,607,028 alleles (0.005%); highest among the groups gnomAD compares: African/African-American, 0.056%; no homozygotes.

Submissions (2):

Ambry Genetics
Classification: Uncertain significance. Last evaluated: 2024-03-01. Review status: criteria provided, single submitter. Criteria: Ambry Variant Classification Scheme 2023. Collection method: clinical testing. Allele origin: germline.

PreventionGenetics, part of Exact Sciences
Classification: Uncertain significance for ARHGEF28-related condition. Last evaluated: 2023-04-14. Review status: criteria provided, single submitter. Criteria: ACMG Guidelines, 2015. Collection method: clinical testing. Allele origin: germline.
Comment: The ARHGEF28 c.589G>A variant is predicted to result in the amino acid substitution p.Glu197Lys. To our knowledge, this variant has not been reported in the literature. This variant is reported in 0.077% of alleles in individuals of African descent in gnomAD. At this time, the clinical significance of this variant is uncertain due to the absence of conclusive functional and genetic evidence.

NM_001177693.2(ARHGEF28):c.589G>A (p.Glu197Lys)

Gene: ARHGEF28 (Rho guanine nucleotide exchange factor 28; plus strand). Cytogenetic location: 5q13.2.
Variant type: single nucleotide variant.
Coding change: c.589G>A on transcript NM_001177693.2 (MANE Select); coding-DNA position 589, G replaced by A.
Protein change: p.Glu197Lys; replaces glutamic acid 197 with lysine.
Molecular consequence: missense variant.
Genome position (GRCh38, 1-based): chr5:73,773,968, G>A. VCF-style: chr5-73773968-G-A. GRCh37 (hg19) VCF-style: chr5-73069793-G-A.
Other names: c.589G>A, p.Glu197Lys (NM_001080479.3, NM_001388078.1); c.295G>A, p.Glu99Lys (NM_001388076.1); short protein forms E197K, E99K.
Identifiers: ClinVar variation 2632095 (VCV002632095.2), dbSNP rs369842264, ClinGen allele CA3304225.
Genomic context (GRCh38, chr5:73,773,968, plus strand): 5'-AAACTTTCCCAGTTCTTCTTGTGTCTCCCGGGGGGAGTCCAGGCCTTGGCTTTACCCAAC[G>A]AAGAGGGTGCCACACCATTAGACTTAGCTTTACGTGAAGGACACTCCAAGCTGGTGGAAG-3'
Protein context (NP_001171164.1, residues 187-207): GGVQALALPN[Glu197Lys]EGATPLDLAL